The following is an entry in ClinVar:

ClinVar aggregate classification (germline): Uncertain significance (1 of 4 stars; one submission).

Allele frequency attached by ClinVar (database versions not stated): TOPMed below 0.00001.

Submission:

Ambry Genetics
Classification: Uncertain significance. Last evaluated: 2022-07-11. Review status: criteria provided, single submitter. Criteria: Ambry Variant Classification Scheme 2023. Collection method: clinical testing. Allele origin: germline.
Comment: The p.Y653C variant (also known as c.1958A>G), located in coding exon 13 of the MYOM1 gene, results from an A to G substitution at nucleotide position 1958. The tyrosine at codon 653 is replaced by cysteine, an amino acid with highly dissimilar properties. This amino acid position is conserved. In addition, this alteration is predicted to be deleterious by in silico analysis. Since supporting evidence is limited at this time, the clinical significance of this alteration remains unclear.

NM_003803.4(MYOM1):c.1958A>G (p.Tyr653Cys)

Gene: MYOM1 (myomesin 1; minus strand). Cytogenetic location: 18p11.31.
Variant type: single nucleotide variant.
Coding change: c.1958A>G on transcript NM_003803.4 (MANE Select); coding-DNA position 1958, A replaced by G.
Protein change: p.Tyr653Cys; replaces tyrosine 653 with cysteine.
Molecular consequence: missense variant.
Genome position (GRCh38, 1-based): chr18:3,142,006, T>C on the plus strand (A>G on the coding strand, the complement: MYOM1 is on the minus strand). VCF-style: chr18-3142006-T-C. GRCh37 (hg19) VCF-style: chr18-3142004-T-C.
Other names: c.1958A>G, p.Tyr653Cys (NM_019856.2); short protein forms Y653C.
Identifiers: ClinVar variation 1783345 (VCV001783345.2), dbSNP rs1020340808, ClinGen allele CA295523952.